The following is an entry in ClinVar:

NM_001040108.2(MLH3):c.3689G>A (p.Arg1230His)

Gene: MLH3 (mutL homolog 3; minus strand). Cytogenetic location: 14q24.3.
Variant type: single nucleotide variant.
Coding change: c.3689G>A on transcript NM_001040108.2 (MANE Select); coding-DNA position 3689, G replaced by A.
Protein change: p.Arg1230His; replaces arginine 1230 with histidine.
Molecular consequence: missense variant. On other transcripts: intron variant (1).
Genome position (GRCh38, 1-based): chr14:75,033,445, C>T on the plus strand (G>A on the coding strand, the complement: MLH3 is on the minus strand). VCF-style: chr14-75033445-C-T. GRCh37 (hg19) VCF-style: chr14-75500148-C-T.
Other names: c.3644-1266G>A (NM_014381.3); short protein forms R1230H.
Identifiers: ClinVar variation 888447 (VCV000888447.17), dbSNP rs781739661, ClinGen allele CA7275359.

ClinVar aggregate classification (germline): Uncertain significance. Review status: criteria provided, multiple submitters, no conflicts (2 of 4 stars). 4 submissions from 4 submitters: Uncertain significance (4). Last evaluated 2025-10-01.

Conditions:
Colorectal cancer, hereditary nonpolyposis, type 7. Identifiers: Orphanet 144, MedGen C1858380, MONDO:0013725, OMIM 614385.

Allele frequency attached by ClinVar (database versions not stated): ExAC 0.00004; gnomAD exomes 0.00004 and 0.00002; gnomAD 0.00001; TOPMed 0.00001.
gnomAD v4.1: 27 of 1,614,002 alleles (0.0017%); highest among the groups gnomAD compares: East Asian, 0.011%; no homozygotes.

Submissions (4):

Labcorp Genetics (formerly Invitae), Labcorp
Classification: Uncertain significance for Colorectal cancer, hereditary nonpolyposis, type 7. Last evaluated: 2025-10-01. Review status: criteria provided, single submitter. Criteria: Invitae Variant Classification Sherloc (09022015). Collection method: clinical testing. Allele origin: germline.
Comment: This sequence change replaces arginine, which is basic and polar, with histidine, which is basic and polar, at codon 1230 of the MLH3 protein (p.Arg1230His). This variant is present in population databases (rs781739661, gnomAD 0.03%). This variant has not been reported in the literature in individuals affected with MLH3-related conditions. ClinVar contains an entry for this variant (Variation ID: 888447). An algorithm developed to predict the effect of missense changes on protein structure and function (PolyPhen-2) suggests that this variant is likely to be disruptive. In summary, the available evidence is currently insufficient to determine the role of this variant in disease. Therefore, it has been classified as a Variant of Uncertain Significance.

Genomic Medicine Center of Excellence, King Faisal Specialist Hospital and Research Centre
Classification: Uncertain significance for Colorectal cancer, hereditary nonpolyposis, type 7. Last evaluated: 2025-09-10. Review status: criteria provided, single submitter. Criteria: ACMG Guidelines, 2015. Collection method: clinical testing. Allele origin: germline.

Ambry Genetics
Classification: Uncertain significance. Last evaluated: 2023-05-02. Review status: criteria provided, single submitter. Criteria: Ambry Variant Classification Scheme 2023. Collection method: clinical testing. Allele origin: germline.
Comment: The p.R1230H variant (also known as c.3689G>A), located in coding exon 6 of the MLH3 gene, results from a G to A substitution at nucleotide position 3689. The arginine at codon 1230 is replaced by histidine, an amino acid with highly similar properties. This amino acid position is highly conserved in available vertebrate species. In addition, this alteration is predicted to be deleterious by in silico analysis. Since supporting evidence is limited at this time, the clinical significance of this alteration remains unclear.

Illumina Laboratory Services, Illumina
Classification: Uncertain significance for Colorectal cancer, hereditary nonpolyposis, type 7. Last evaluated: 2018-01-12. Review status: criteria provided, single submitter. Criteria: ICSL Variant Classification Criteria 13 December 2019. Collection method: clinical testing. Allele origin: germline.